The following is an entry in ClinVar:

ClinVar aggregate classification (germline): Uncertain significance. Review status: criteria provided, multiple submitters, no conflicts (2 of 4 stars). 2 submissions from 2 submitters: Uncertain significance (2). Last evaluated 2024-05-16.

Conditions:
Autosomal recessive limb-girdle muscular dystrophy type 2O. Also called: Limb-Girdle Muscular Dystrophy Type 3C; MUSCULAR DYSTROPHY-DYSTROGLYCANOPATHY, LIMB-GIRDLE, POMGNT1-RELATED; MUSCULAR DYSTROPHY-DYSTROGLYCANOPATHY (LIMB-GIRDLE), TYPE C, 3. Identifiers: Orphanet 206564, MedGen C3150417, MONDO:0013161, OMIM 613157.
Muscular dystrophy-dystroglycanopathy (congenital with impaired intellectual development), type B, 3. Also called: Muscular dystrophy-dystroglycanopathy (congenital with intellectual disability), type B3; MUSCULAR DYSTROPHY, CONGENITAL, POMGNT1-RELATED. Identifiers: MedGen C3150412, MONDO:0013155, OMIM 613151.

Submissions (2):

Women's Health and Genetics/Laboratory Corporation of America, LabCorp
Classification: Uncertain significance. Last evaluated: 2024-05-16. Review status: criteria provided, single submitter. Criteria: LabCorp Variant Classification Summary - May 2015. Collection method: clinical testing. Allele origin: germline.
Comment: Variant summary: POMGNT1 c.626C>T (p.Thr209Ile) results in a non-conservative amino acid change located in the Protein O-linked-mannose beta-1,2-N-acetylglucosaminyltransferase 1, PANDER-like domain (IPR039474) of the encoded protein sequence. Three of five in-silico tools predict a damaging effect of the variant on protein function. The variant was absent in 251292 control chromosomes. The available data on variant occurrences in the general population are insufficient to allow any conclusion about variant significance. c.626C>T has been reported in the literature in at least one compound heterozygous individual affected with Congenital Muscular Dystrophy, Autosomal Recessive. These data do not allow any conclusion about variant significance. To our knowledge, no experimental evidence demonstrating an impact on protein function has been reported. The following publication has been ascertained in the context of this evaluation (PMID: 32115343). ClinVar contains an entry for this variant (Variation ID: 644389). Based on the evidence outlined above, the variant was classified as uncertain significance.

Labcorp Genetics (formerly Invitae), Labcorp
Classification: Uncertain significance for Autosomal recessive limb-girdle muscular dystrophy type 2O; Muscular dystrophy-dystroglycanopathy (congenital with impaired intellectual development), type B, 3. Last evaluated: 2022-08-16. Review status: criteria provided, single submitter. Criteria: Invitae Variant Classification Sherloc (09022015). Collection method: clinical testing. Allele origin: germline.
Comment: In summary, the available evidence is currently insufficient to determine the role of this variant in disease. Therefore, it has been classified as a Variant of Uncertain Significance. Advanced modeling of protein sequence and biophysical properties (such as structural, functional, and spatial information, amino acid conservation, physicochemical variation, residue mobility, and thermodynamic stability) performed at Invitae indicates that this missense variant is not expected to disrupt POMGNT1 protein function. ClinVar contains an entry for this variant (Variation ID: 644389). This missense change has been observed in individual(s) with alpha-dystroglycanopathy (PMID: 32115343). This variant is not present in population databases (gnomAD no frequency). This sequence change replaces threonine, which is neutral and polar, with isoleucine, which is neutral and non-polar, at codon 209 of the POMGNT1 protein (p.Thr209Ile).

Literature cited by the submitters: PubMed 32115343 (cited by Women's Health and Genetics/Laboratory Corporation of America, LabCorp and Labcorp Genetics (formerly Invitae), Labcorp).

NM_017739.4(POMGNT1):c.626C>T (p.Thr209Ile)

Genes: POMGNT1 (protein O-linked mannose N-acetylglucosaminyltransferase 1 (beta 1,2-); minus strand), TSPAN1 (tetraspanin 1; plus strand). Cytogenetic location: 1p34.1.
Variant type: single nucleotide variant.
Coding change: c.626C>T on transcript NM_017739.4 (MANE Select); coding-DNA position 626, C replaced by T.
Protein change: p.Thr209Ile; replaces threonine 209 with isoleucine.
Molecular consequence: missense variant.
Genome position (GRCh38, 1-based): chr1:46,194,870, G>A on the plus strand (C>T on the coding strand, the complement: POMGNT1 is on the minus strand). VCF-style: chr1-46194870-G-A. GRCh37 (hg19) VCF-style: chr1-46660542-G-A.
Other names: c.626C>T, p.Thr209Ile (NM_001243766.2, NM_001410783.1); c.560C>T, p.Thr187Ile (NM_001290129.3); c.197C>T, p.Thr66Ile (NM_001290130.2); short protein forms T66I, T209I, T187I.
Identifiers: ClinVar variation 644389 (VCV000644389.10), dbSNP rs1571664089, ClinGen allele CA340186623.